The following is an entry in ClinVar:

NM_001039591.3(USP9X):c.7514C>G (p.Ser2505Cys)

Gene: USP9X (ubiquitin specific peptidase 9 X-linked; plus strand). Cytogenetic location: Xp11.4.
Variant type: single nucleotide variant.
Coding change: c.7514C>G on transcript NM_001039591.3 (MANE Select); coding-DNA position 7514, C replaced by G.
Protein change: p.Ser2505Cys; replaces serine 2505 with cysteine.
Molecular consequence: missense variant.
Genome position (GRCh38, 1-based): chrX:41,230,583, C>G. VCF-style: chrX-41230583-C-G. GRCh37 (hg19) VCF-style: chrX-41089836-C-G.
Other names: c.7562C>G, p.Ser2521Cys (NM_001039590.3); c.7577C>G, p.Ser2526Cys (NM_001410748.1); c.7529C>G, p.Ser2510Cys (NM_001410749.1, NM_001437534.1); short protein forms S2505C, S2526C, S2510C, S2521C.
Identifiers: ClinVar variation 4750877 (VCV004750877.1).

ClinVar aggregate classification (germline): Uncertain significance (1 of 4 stars; one submission).

gnomAD v4.1: 30 of 1,208,824 alleles (0.0025%); highest among the groups gnomAD compares: Non-Finnish European, 0.0032%; no homozygotes.

Submission:

Labcorp Genetics (formerly Invitae), Labcorp
Classification: Uncertain significance. Last evaluated: 2025-08-04. Review status: criteria provided, single submitter. Criteria: Invitae Variant Classification Sherloc (09022015). Collection method: clinical testing. Allele origin: germline.
Comment: This sequence change replaces serine, which is neutral and polar, with cysteine, which is neutral and slightly polar, at codon 2521 of the USP9X protein (p.Ser2521Cys). This variant is present in population databases (rs763143276, gnomAD 0.001%), including at least one homozygous and/or hemizygous individual. This variant has not been reported in the literature in individuals affected with USP9X-related conditions. An algorithm developed to predict the effect of missense changes on protein structure and function (PolyPhen-2) suggests that this variant is likely to be disruptive. In summary, the available evidence is currently insufficient to determine the role of this variant in disease. Therefore, it has been classified as a Variant of Uncertain Significance.